The following is an entry in ClinVar:

ClinVar aggregate classification (germline): Uncertain significance. Review status: criteria provided, multiple submitters, no conflicts (2 of 4 stars). 2 submissions from 2 submitters: Uncertain significance (2). Last evaluated 2025-09-26.

Conditions:
Familial melanoma. Also called: Hereditary melanoma; Hereditary cutaneous melanoma. Identifiers: Orphanet 618, MedGen C1512419, MONDO:0018961.
Hereditary cancer-predisposing syndrome. Also called: Neoplastic Syndromes, Hereditary; Hereditary Cancer Syndrome; Hereditary neoplastic syndrome; Tumor predisposition. Identifiers: Orphanet 140162, MedGen C0027672, MeSH D009386, MONDO:0015356.

Allele frequency attached by ClinVar (database versions not stated): gnomAD exomes below 0.00001.

Submissions (2):

Ambry Genetics
Classification: Uncertain significance for Hereditary cancer-predisposing syndrome. Last evaluated: 2025-09-26. Review status: criteria provided, single submitter. Criteria: Ambry Variant Classification Scheme 2023. Collection method: clinical testing. Allele origin: germline.
Comment: The p.T193S variant (also known as c.577A>T), located in coding exon 4 of the CDK4 gene, results from an A to T substitution at nucleotide position 577. The threonine at codon 193 is replaced by serine, an amino acid with similar properties. This amino acid position is highly conserved in available vertebrate species. In addition, this alteration is predicted to be tolerated by in silico analysis. Since supporting evidence is limited at this time, the clinical significance of this alteration remains unclear.

Labcorp Genetics (formerly Invitae), Labcorp
Classification: Uncertain significance for Familial melanoma. Last evaluated: 2025-04-28. Review status: criteria provided, single submitter. Criteria: Invitae Variant Classification Sherloc (09022015). Collection method: clinical testing. Allele origin: germline.
Comment: This sequence change replaces threonine, which is neutral and polar, with serine, which is neutral and polar, at codon 193 of the CDK4 protein (p.Thr193Ser). This variant is not present in population databases (gnomAD no frequency). This variant has not been reported in the literature in individuals affected with CDK4-related conditions. ClinVar contains an entry for this variant (Variation ID: 1436239). An algorithm developed to predict the effect of missense changes on protein structure and function (PolyPhen-2) suggests that this variant is likely to be tolerated. In summary, the available evidence is currently insufficient to determine the role of this variant in disease. Therefore, it has been classified as a Variant of Uncertain Significance.

NM_000075.4(CDK4):c.577A>T (p.Thr193Ser)

Gene: CDK4 (cyclin dependent kinase 4; minus strand). Cytogenetic location: 12q14.1.
Variant type: single nucleotide variant.
Coding change: c.577A>T on transcript NM_000075.4 (MANE Select); coding-DNA position 577, A replaced by T.
Protein change: p.Thr193Ser; replaces threonine 193 with serine.
Molecular consequence: missense variant.
Genome position (GRCh38, 1-based): chr12:57,750,711, T>A on the plus strand (A>T on the coding strand, the complement: CDK4 is on the minus strand). VCF-style: chr12-57750711-T-A. GRCh37 (hg19) VCF-style: chr12-58144494-T-A.
Other names: short protein forms T193S.
Identifiers: ClinVar variation 1436239 (VCV001436239.9), dbSNP rs543769986, ClinGen allele CA385545803.